The following is an entry in ClinVar:

ClinVar aggregate classification (germline): Conflicting classifications of pathogenicity. Review status: criteria provided, conflicting classifications (1 of 4 stars). 9 submissions from 9 submitters: Uncertain significance (8); Benign (1). Last evaluated 2026-02-11.

Conditions:
Colorectal cancer. Also called: Colorectal cancer, somatic; Malignant Colorectal Neoplasm. Identifiers: MedGen C0346629, MONDO:0005575, OMIM 114500.
Hereditary cancer-predisposing syndrome. Also called: Hereditary Cancer Syndrome; Hereditary neoplastic syndrome; Neoplastic Syndromes, Hereditary; Tumor predisposition. Identifiers: Orphanet 140162, MedGen C0027672, MeSH D009386, MONDO:0015356.
Ovarian cancer. Also called: OVARIAN CANCER, SOMATIC. Identifiers: Orphanet 213500, MedGen C1140680, MONDO:0008170, OMIM 167000.
Oligodontia-cancer predisposition syndrome. Also called: TOOTH AGENESIS-COLORECTAL CANCER SYNDROME. Identifiers: Orphanet 300576, MedGen C1837750, MONDO:0012075, OMIM 608615. Disease mechanism: loss of function.

Allele frequency attached by ClinVar (database versions not stated): ExAC 0.00001; TOPMed 0.00001.
gnomAD v4.1: 17 of 1,613,888 alleles (0.0011%); highest among the groups gnomAD compares: Middle Eastern, 0.016%; no homozygotes.

Submissions (9):

St. Jude Molecular Pathology, St. Jude Children's Research Hospital
Classification: Uncertain significance for Oligodontia-cancer predisposition syndrome. Last evaluated: 2026-02-11. Review status: criteria provided, single submitter. Criteria: St. Jude Assertion Criteria 2020. Collection method: clinical testing. Allele origin: germline.
Comment: The AXIN2 c.1987T>G p.(Trp663Gly) missense change has a maximum subpopulation frequency of 0.0029% in gnomAD v2.1.1. The in silico tool REVEL predicts a benign effect on protein function, but to our knowledge this prediction has not been confirmed by functional studies. To our knowledge, this variant has not been reported in individuals with oligodontia-cancer predisposition syndrome. In summary, the evidence currently available is insufficient to determine the clinical significance of this variant. It has therefore been classified as of uncertain significance.

Labcorp Genetics (formerly Invitae), Labcorp
Classification: Uncertain significance for Oligodontia-cancer predisposition syndrome. Last evaluated: 2025-12-24. Review status: criteria provided, single submitter. Criteria: Invitae Variant Classification Sherloc (09022015). Collection method: clinical testing. Allele origin: germline.
Comment: This sequence change replaces tryptophan, which is neutral and slightly polar, with glycine, which is neutral and non-polar, at codon 663 of the AXIN2 protein (p.Trp663Gly). This variant is present in population databases (rs770763142, gnomAD 0.003%). This variant has not been reported in the literature in individuals affected with AXIN2-related conditions. ClinVar contains an entry for this variant (Variation ID: 408850). Invitae Evidence Modeling of protein sequence and biophysical properties (such as structural, functional, and spatial information, amino acid conservation, physicochemical variation, residue mobility, and thermodynamic stability) indicates that this missense variant is not expected to disrupt AXIN2 protein function with a negative predictive value of 80%. In summary, the available evidence is currently insufficient to determine the role of this variant in disease. Therefore, it has been classified as a Variant of Uncertain Significance.

Ambry Genetics
Classification: Uncertain significance for Hereditary cancer-predisposing syndrome. Last evaluated: 2025-03-05. Review status: criteria provided, single submitter. Criteria: Ambry Variant Classification Scheme 2023. Collection method: clinical testing. Allele origin: germline.
Comment: The p.W663G variant (also known as c.1987T>G), located in coding exon 7 of the AXIN2 gene, results from a T to G substitution at nucleotide position 1987. The tryptophan at codon 663 is replaced by glycine, an amino acid with highly dissimilar properties. This amino acid position is well conserved in available vertebrate species. In addition, this alteration is predicted to be tolerated by in silico analysis. Since supporting evidence is limited at this time, the clinical significance of this alteration remains unclear.

Molecular Pathology, Peter Maccallum Cancer Centre
Classification: Uncertain significance for Oligodontia-cancer predisposition syndrome. Last evaluated: 2024-07-23. Review status: criteria provided, single submitter. Criteria: ACMG Guidelines, 2015. Collection method: clinical testing. Allele origin: germline. Inheritance: Autosomal dominant inheritance.

Baylor Genetics
Classification: Uncertain significance for Colorectal cancer. Last evaluated: 2024-02-09. Review status: criteria provided, single submitter. Criteria: ACMG Guidelines, 2015. Collection method: clinical testing. Allele origin: unknown.

Quest Diagnostics Nichols Institute San Juan Capistrano
Classification: Uncertain significance. Last evaluated: 2023-09-26. Review status: criteria provided, single submitter. Criteria: Quest Diagnostics criteria. Collection method: clinical testing. Allele origin: unknown.

GeneDx
Classification: Uncertain significance. Last evaluated: 2022-04-21. Review status: criteria provided, single submitter. Criteria: GeneDx Variant Classification Process June 2021. Collection method: clinical testing. Allele origin: germline. Affected: yes.
Comment: Not observed at a significant frequency in large population cohorts (gnomAD); In silico analysis supports that this missense variant has a deleterious effect on protein structure/function; Has not been previously published as pathogenic or benign to our knowledge

Laboratory of Molecular Epidemiology of Birth Defects, West China Second University Hospital, Sichuan University
Classification: Benign for Ovarian cancer. Last evaluated: 2022-01-01. Review status: criteria provided, single submitter. Criteria: ACMG Guidelines, 2015. Collection method: clinical testing. Allele origin: germline. Affected: yes.

Sema4
Classification: Uncertain significance for Hereditary cancer-predisposing syndrome. Last evaluated: 2021-04-27. Review status: criteria provided, single submitter. Criteria: Sema4 Curation Guidelines. Collection method: curation. Allele origin: germline.
Comment: The AXIN2 c.1987T>G (p.W663G) variant has not been reported in the literature to our knowledge. It was observed in 1/34528 chromosomes of the Latino subpopulation in the large and broad cohorts of the Genome Aggregation Database. This variant has been reported in ClinVar (Variation ID 408850). In silico tools suggest the impact of the variant on protein function is inconclusive, though these predictions have not been confirmed by functional studies. The evidence is insufficient to meet ACMG/AMP criteria for classifying the variant as benign or pathogenic. Thus, the clinical significance of this variant is currently uncertain.

NM_004655.4(AXIN2):c.1987T>G (p.Trp663Gly)

Gene: AXIN2 (axin 2; minus strand). Cytogenetic location: 17q24.1.
Variant type: single nucleotide variant.
Coding change: c.1987T>G on transcript NM_004655.4 (MANE Select); coding-DNA position 1987, T replaced by G.
Protein change: p.Trp663Gly; replaces tryptophan 663 with glycine.
Molecular consequence: missense variant.
Genome position (GRCh38, 1-based): chr17:65,536,474, A>C on the plus strand (T>G on the coding strand, the complement: AXIN2 is on the minus strand). VCF-style: chr17-65536474-A-C. GRCh37 (hg19) VCF-style: chr17-63532592-A-C.
Other names: c.1987T>G (LRG_296t1); c.1792T>G, p.Trp598Gly (NM_001363813.1); short protein forms W663G, W598G.
Identifiers: ClinVar variation 408850 (VCV000408850.24), dbSNP rs770763142, ClinGen allele CA8718443.